The following is an entry in ClinVar:

NM_133642.5(LARGE1):c.122C>T (p.Ser41Phe)

Gene: LARGE1 (LARGE xylosyl- and glucuronyltransferase 1; minus strand). Cytogenetic location: 22q12.3.
Variant type: single nucleotide variant.
Coding change: c.122C>T on transcript NM_133642.5 (MANE Select); coding-DNA position 122, C replaced by T.
Protein change: p.Ser41Phe; replaces serine 41 with phenylalanine.
Molecular consequence: missense variant.
Genome position (GRCh38, 1-based): chr22:33,650,653, G>A on the plus strand (C>T on the coding strand, the complement: LARGE1 is on the minus strand). VCF-style: chr22-33650653-G-A. GRCh37 (hg19) VCF-style: chr22-34046639-G-A.
Other names: c.122C>T (NM_004737.5); c.122C>T, p.Ser41Phe (NM_001362949.2, NM_001362951.2, NM_001362953.2 and 7 more transcripts); short protein forms S41F.
Identifiers: ClinVar variation 1940521 (VCV001940521.3), dbSNP rs2519158178, ClinGen allele CA411546575.

ClinVar aggregate classification (germline): Uncertain significance. Review status: criteria provided, single submitter (1 of 4 stars). 2 submissions from 2 submitters: Uncertain significance (1). 1 of the submissions does not count toward it. Last evaluated 2022-08-05.

Conditions:
LARGE1-related disorder. Also called: LARGE1-related condition.
Muscular dystrophy-dystroglycanopathy type B6 (MDDGB6). Also called: MUSCULAR DYSTROPHY-DYSTROGLYCANOPATHY (CONGENITAL WITH IMPAIRED INTELLECTUAL DEVELOPMENT), TYPE B, 6; MUSCULAR DYSTROPHY, CONGENITAL, LARGE-RELATED; MUSCULAR DYSTROPHY, CONGENITAL, TYPE 1D. Identifiers: MedGen C1837229, MONDO:0012138, OMIM 608840.

Allele frequency attached by ClinVar (database versions not stated): gnomAD exomes below 0.00001.
gnomAD v4.1: 1 of 1,601,188 alleles (0.000062%); highest among the groups gnomAD compares: African/African-American, 0.0013%; no homozygotes.

Submissions (2):

Labcorp Genetics (formerly Invitae), Labcorp
Classification: Uncertain significance for Muscular dystrophy-dystroglycanopathy type B6. Last evaluated: 2022-08-05. Review status: criteria provided, single submitter. Criteria: Invitae Variant Classification Sherloc (09022015). Collection method: clinical testing. Allele origin: germline.
Comment: This sequence change replaces serine, which is neutral and polar, with phenylalanine, which is neutral and non-polar, at codon 41 of the LARGE1 protein (p.Ser41Phe). This variant is not present in population databases (gnomAD no frequency). This variant has not been reported in the literature in individuals affected with LARGE1-related conditions. Algorithms developed to predict the effect of missense changes on protein structure and function are either unavailable or do not agree on the potential impact of this missense change (SIFT: "Deleterious"; PolyPhen-2: "Benign"; Align-GVGD: "Class C0"). In summary, the available evidence is currently insufficient to determine the role of this variant in disease. Therefore, it has been classified as a Variant of Uncertain Significance.

PreventionGenetics, part of Exact Sciences
Classification: Uncertain significance for LARGE1-related condition. Last evaluated: 2024-06-12. Review status: no assertion criteria provided. Collection method: clinical testing. Allele origin: germline. Not counted in ClinVar's aggregate classification.
Comment: The LARGE1 c.122C>T variant is predicted to result in the amino acid substitution p.Ser41Phe. To our knowledge, this variant has not been reported in the literature or in a large population database, indicating this variant is rare. At this time, the clinical significance of this variant is uncertain due to the absence of conclusive functional and genetic evidence.